The following is an entry in ClinVar:

NM_001134407.3(GRIN2A):c.3391G>T (p.Asp1131Tyr)

Gene: GRIN2A (glutamate ionotropic receptor NMDA type subunit 2A; minus strand). Cytogenetic location: 16p13.2.
Variant type: single nucleotide variant.
Coding change: c.3391G>T on transcript NM_001134407.3 (MANE Select); coding-DNA position 3391, G replaced by T.
Protein change: p.Asp1131Tyr; replaces aspartic acid 1131 with tyrosine.
Molecular consequence: missense variant.
Genome position (GRCh38, 1-based): chr16:9,764,153, C>A on the plus strand (G>T on the coding strand, the complement: GRIN2A is on the minus strand). VCF-style: chr16-9764153-C-A. GRCh37 (hg19) VCF-style: chr16-9858010-C-A.
Other names: c.3391G>T, p.Asp1131Tyr (NM_000833.5, NM_001134408.2); short protein forms D1131Y.
Identifiers: ClinVar variation 568402 (VCV000568402.10), dbSNP rs1243412120, ClinGen allele CA394707968.

ClinVar aggregate classification (germline): Conflicting classifications of pathogenicity. Review status: criteria provided, conflicting classifications (1 of 4 stars). 2 submissions from 2 submitters: Uncertain significance (1); Likely benign (1). Last evaluated 2024-01-08.

Conditions:
Landau-Kleffner syndrome (FESD). Also called: EPILEPSY, FOCAL, WITH SPEECH DISORDER AND WITH OR WITHOUT MENTAL RETARDATION; APHASIA, ACQUIRED, WITH EPILEPSY. Identifiers: Orphanet 1945, Orphanet 725, Orphanet 98818, MedGen C0282512, MONDO:0009509, OMIM 245570.

Allele frequency attached by ClinVar (database versions not stated): gnomAD exomes below 0.00001.
gnomAD v4.1: 1 of 1,613,460 alleles (0.000062%); highest among the groups gnomAD compares: African/African-American, 0.0013%; no homozygotes.

Submissions (2):

Women's Health and Genetics/Laboratory Corporation of America, LabCorp
Classification: Uncertain significance. Last evaluated: 2024-01-08. Review status: criteria provided, single submitter. Criteria: LabCorp Variant Classification Summary - May 2015. Collection method: clinical testing. Allele origin: germline.
Comment: Variant summary: GRIN2A c.3391G>T (p.Asp1131Tyr) results in a non-conservative amino acid change located in the Glutamate [NMDA] receptor, epsilon subunit, C-terminal (IPR018884) of the encoded protein sequence. Four of five in-silico tools predict a damaging effect of the variant on protein function. The variant allele was found at a frequency of 4e-06 in 250982 control chromosomes. The available data on variant occurrences in the general population are insufficient to allow any conclusion about variant significance. To our knowledge, no occurrence of c.3391G>T in individuals affected with Epilepsy, Focal, With Speech Disorder And With Or Without Mental Retardation and no experimental evidence demonstrating its impact on protein function have been reported. ClinVar contains an entry for this variant (Variation ID: 568402). Based on the evidence outlined above, the variant was classified as uncertain significance.

Labcorp Genetics (formerly Invitae), Labcorp
Classification: Likely benign for Landau-Kleffner syndrome. Last evaluated: 2023-07-22. Review status: criteria provided, single submitter. Criteria: Invitae Variant Classification Sherloc (09022015). Collection method: clinical testing. Allele origin: germline.